The following is an entry in ClinVar:

ClinVar aggregate classification (germline): Uncertain significance. Review status: criteria provided, multiple submitters, no conflicts (2 of 4 stars). 2 submissions from 2 submitters: Uncertain significance (2). Last evaluated 2025-04-20.

Conditions:
Brugada syndrome. Also called: Sudden Unexplained Death Syndrome; Sudden Unexplained Nocturnal Death Syndrome (SUNDS); Sudden unexpected nocturnal death syndrome; Sudden unexplained nocturnal death syndrome. Identifiers: Orphanet 130, MedGen C1142166, MONDO:0015263.
Cardiovascular phenotype. Identifiers: MedGen CN230736.

Allele frequency attached by ClinVar (database versions not stated): TOPMed below 0.00001; gnomAD exomes 0.00001 and 0.00002.
gnomAD v4.1: 4 of 1,613,192 alleles (0.00025%); highest among the groups gnomAD compares: Admixed American, 0.0067%; no homozygotes.

Submissions (2):

Labcorp Genetics (formerly Invitae), Labcorp
Classification: Uncertain significance for Brugada syndrome. Last evaluated: 2025-04-20. Review status: criteria provided, single submitter. Criteria: Invitae Variant Classification Sherloc (09022015). Collection method: clinical testing. Allele origin: germline.
Comment: This sequence change replaces threonine, which is neutral and polar, with isoleucine, which is neutral and non-polar, at codon 1087 of the CACNA2D1 protein (p.Thr1087Ile). This variant is present in population databases (no rsID available, gnomAD 0.009%). This variant has not been reported in the literature in individuals affected with CACNA2D1-related conditions. ClinVar contains an entry for this variant (Variation ID: 855878). An algorithm developed to predict the effect of missense changes on protein structure and function (PolyPhen-2) suggests that this variant is likely to be tolerated. In summary, the available evidence is currently insufficient to determine the role of this variant in disease. Therefore, it has been classified as a Variant of Uncertain Significance.

Ambry Genetics
Classification: Uncertain significance for Cardiovascular phenotype. Last evaluated: 2023-10-19. Review status: criteria provided, single submitter. Criteria: Ambry Variant Classification Scheme 2023. Collection method: clinical testing. Allele origin: germline.
Comment: The p.T1087I variant (also known as c.3260C>T), located in coding exon 39 of the CACNA2D1 gene, results from a C to T substitution at nucleotide position 3260. The threonine at codon 1087 is replaced by isoleucine, an amino acid with similar properties. This amino acid position is conserved. In addition, this alteration is predicted to be tolerated by in silico analysis. Since supporting evidence is limited at this time, the clinical significance of this alteration remains unclear.

NM_000722.4(CACNA2D1):c.3260C>T (p.Thr1087Ile)

Gene: CACNA2D1 (calcium voltage-gated channel auxiliary subunit alpha2delta 1; minus strand). Cytogenetic location: 7q21.11.
Variant type: single nucleotide variant.
Coding change: c.3260C>T on transcript NM_000722.4 (MANE Select); coding-DNA position 3260, C replaced by T.
Protein change: p.Thr1087Ile; replaces threonine 1087 with isoleucine.
Molecular consequence: missense variant.
Genome position (GRCh38, 1-based): chr7:81,950,408, G>A on the plus strand (C>T on the coding strand, the complement: CACNA2D1 is on the minus strand). VCF-style: chr7-81950408-G-A. GRCh37 (hg19) VCF-style: chr7-81579724-G-A.
Other names: c.3296C>T, p.Thr1099Ile (NM_001366867.1); c.3260C>T (NM_000722.2); short protein forms T1087I, T1099I.
Identifiers: ClinVar variation 855878 (VCV000855878.8), dbSNP rs1457933535, ClinGen allele CA367880237.
Genomic context (GRCh38, chr7:81,950,408, plus strand): 5'-GGCAGGGTCTGGAGTTTAACTATGCAGATTTGGTTTTTAGAAGGTCATAACAGGCGGTGT[G>A]TGCTGCCAGATACCAGCCAAAGTAGTAGAAACTGGATTCCAATGATATACCACAGGGAGG-3'
Protein context (NP_000713.2, residues 1077-1091): FLLLWLVSGS[Thr1087Ile]HRLL